The following is an entry in ClinVar:

NM_000368.5(TSC1):c.3065G>C (p.Arg1022Thr)

Gene: TSC1 (TSC complex subunit 1; minus strand). Cytogenetic location: 9q34.13.
Variant type: single nucleotide variant.
Coding change: c.3065G>C on transcript NM_000368.5 (MANE Select); coding-DNA position 3065, G replaced by C.
Protein change: p.Arg1022Thr; replaces arginine 1022 with threonine.
Molecular consequence: missense variant. On other transcripts: non-coding transcript variant (5).
Genome position (GRCh38, 1-based): chr9:132,896,665, C>G on the plus strand (G>C on the coding strand, the complement: TSC1 is on the minus strand). VCF-style: chr9-132896665-C-G. GRCh37 (hg19) VCF-style: chr9-135772052-C-G.
Other names: c.3062G>C, p.Arg1021Thr (NM_001162426.2, NM_001406597.1, NM_001406598.1 and 2 more transcripts); c.2912G>C, p.Arg971Thr (NM_001162427.2, NM_001406610.1); c.2702G>C, p.Arg901Thr (NM_001362177.2, NM_001406614.1, NM_001406615.1 and 4 more transcripts); c.3065G>C, p.Arg1022Thr (NM_001406592.1, NM_001406593.1, NM_001406594.1 and 2 more transcripts); c.3050G>C, p.Arg1017Thr (NM_001406601.1, NM_001406602.1); c.3047G>C, p.Arg1016Thr (NM_001406603.1, NM_001406604.1); c.3023G>C, p.Arg1008Thr (NM_001406605.1, NM_001406606.1, NM_001406607.1); c.3020G>C, p.Arg1007Thr (NM_001406608.1, NM_001406609.1); and 8 more; short protein forms R1007T, R1017T, R704T, R900T, R971T, R1008T, R1016T, R705T.
Identifiers: ClinVar variation 2474029 (VCV002474029.2), dbSNP rs1392262248, ClinGen allele CA375367631.

ClinVar aggregate classification (germline): Uncertain significance (1 of 4 stars; one submission).

Conditions:
Hereditary cancer-predisposing syndrome. Also called: Neoplastic Syndromes, Hereditary; Hereditary neoplastic syndrome; Tumor predisposition; Hereditary Cancer Syndrome. Identifiers: Orphanet 140162, MedGen C0027672, MeSH D009386, MONDO:0015356.

Allele frequency attached by ClinVar (database versions not stated): gnomAD exomes below 0.00001.
gnomAD v4.1: 1 of 1,614,090 alleles (0.000062%); highest among the groups gnomAD compares: Non-Finnish European, 0.000085%; no homozygotes.

Submission:

Ambry Genetics
Classification: Uncertain significance for Hereditary cancer-predisposing syndrome. Last evaluated: 2022-11-23. Review status: criteria provided, single submitter. Criteria: Ambry Variant Classification Scheme 2023. Collection method: clinical testing. Allele origin: germline.
Comment: The p.R1022T variant (also known as c.3065G>C), located in coding exon 21 of the TSC1 gene, results from a G to C substitution at nucleotide position 3065. The arginine at codon 1022 is replaced by threonine, an amino acid with similar properties. This amino acid position is conserved. In addition, this alteration is predicted to be tolerated by in silico analysis. Since supporting evidence is limited at this time, the clinical significance of this alteration remains unclear.